The following is an entry in ClinVar:

ClinVar aggregate classification (germline): Uncertain significance (1 of 4 stars; one submission).

Conditions:
Hereditary breast ovarian cancer syndrome. Also called: Hereditary breast and ovarian cancer syndrome; Breast and ovarian cancer; Hereditary breast and/or ovarian cancer syndrome; Hereditary breast and ovarian cancer; BRCA1- and BRCA2-Associated Hereditary Breast and Ovarian Cancer; Hereditary breast and ovarian cancer syndrome (HBOC). Identifiers: Orphanet 145, MedGen C0677776, MeSH D061325, MONDO:0003582. Disease mechanism: loss of function.

Submission:

Labcorp Genetics (formerly Invitae), Labcorp
Classification: Uncertain significance for Hereditary breast ovarian cancer syndrome. Last evaluated: 2019-02-12. Review status: criteria provided, single submitter. Criteria: Invitae Variant Classification Sherloc (09022015). Collection method: clinical testing. Allele origin: germline.
Comment: This variant has not been reported in the literature in individuals with BRCA2-related conditions. This variant is not present in population databases (ExAC no frequency). This sequence change replaces lysine with glutamic acid at codon 63 of the BRCA2 protein (p.Lys63Glu). The lysine residue is highly conserved and there is a small physicochemical difference between lysine and glutamic acid. Algorithms developed to predict the effect of missense changes on protein structure and function are either unavailable or do not agree on the potential impact of this missense change (SIFT: "Deleterious"; PolyPhen-2: "Benign"; Align-GVGD: "Class C0"). In summary, the available evidence is currently insufficient to determine the role of this variant in disease. Therefore, it has been classified as a Variant of Uncertain Significance.

NM_000059.4(BRCA2):c.187A>G (p.Lys63Glu)

Gene: BRCA2 (BRCA2 DNA repair associated; plus strand). Cytogenetic location: 13q13.1.
Variant type: single nucleotide variant.
Coding change: c.187A>G on transcript NM_000059.4 (MANE Select); coding-DNA position 187, A replaced by G.
Protein change: p.Lys63Glu; replaces lysine 63 with glutamic acid.
Molecular consequence: missense variant.
Genome position (GRCh38, 1-based): chr13:32,319,196, A>G. VCF-style: chr13-32319196-A-G. GRCh37 (hg19) VCF-style: chr13-32893333-A-G.
Other names: short protein forms K63E.
Identifiers: ClinVar variation 849514 (VCV000849514.10), dbSNP rs1593882594, ClinGen allele CA387754359.